The following is an entry in ClinVar:

ClinVar aggregate classification (germline): Likely benign (0 of 4 stars; one submission).

Conditions:
HOXB1-related disorder. Also called: HOXB1-related condition.

Allele frequency attached by ClinVar (database versions not stated): TOPMed below 0.00001; ExAC 0.00001; gnomAD 0.00001; gnomAD exomes 0.00001.
gnomAD v4.1: 21 of 1,611,876 alleles (0.0013%); highest among the groups gnomAD compares: Non-Finnish European, 0.0018%; no homozygotes.

Submission:

PreventionGenetics, part of Exact Sciences
Classification: Likely benign for HOXB1-related condition. Last evaluated: 2019-06-12. Review status: no assertion criteria provided. Collection method: clinical testing. Allele origin: germline.
Comment: This variant is classified as likely benign based on ACMG/AMP sequence variant interpretation guidelines (Richards et al. 2015 PMID: 25741868, with internal and published modifications).

NM_002144.4(HOXB1):c.714C>T (p.Ala238=)

Gene: HOXB1 (homeobox B1; minus strand). Cytogenetic location: 17q21.32.
Variant type: single nucleotide variant.
Coding change: c.714C>T on transcript NM_002144.4 (MANE Select); coding-DNA position 714, C replaced by T.
Protein change: p.Ala238=; no amino-acid change (alanine 238 retained).
Molecular consequence: synonymous variant.
Genome position (GRCh38, 1-based): chr17:48,529,739, G>A on the plus strand (C>T on the coding strand, the complement: HOXB1 is on the minus strand). VCF-style: chr17-48529739-G-A. GRCh37 (hg19) VCF-style: chr17-46607101-G-A.
Identifiers: ClinVar variation 3033574 (VCV003033574.2), dbSNP rs756198334, ClinGen allele CA8631678.